The following is an entry in ClinVar:

NM_001370298.3(FGD4):c.1183del (p.Ser395fs)

Gene: FGD4 (FYVE, RhoGEF and PH domain containing 4; plus strand). Cytogenetic location: 12p11.21.
Variant type: Deletion.
Coding change: c.1183del on transcript NM_001370298.3 (MANE Select); coding-DNA position 1183, one base deleted (T; older notation c.1183delT).
Protein change: p.Ser395fs; shifts the reading frame from serine 395.
Molecular consequence: frameshift variant. On other transcripts: 5 prime UTR variant (1).
Genome position (GRCh38, 1-based): chr12:32,601,359, T deleted; the last of 3 consecutive T bases (chr12:32,601,357-32,601,359); deleting any one gives the same sequence. VCF-style (leftmost placement, unchanged base first): chr12-32601356-AT-A. GRCh37 (hg19) VCF-style: chr12-32754290-AT-A.
Other names: c.1027del, p.Ser343fs (NM_001304481.2); c.28del, p.Ser10fs (NM_001304483.2); c.-280del (NM_001304484.2); c.493del, p.Ser165fs (NM_001330373.2, NM_001330374.2, NM_001384130.1); c.220del, p.Ser74fs (NM_001370297.1); c.1183del, p.Ser395fs (NM_001384126.1); c.772del, p.Ser258fs (NM_001384127.1, NM_001384128.1, NM_001385118.1 and 1 more transcripts); short protein forms S343fs, S165fs, S10fs, S258fs, S395fs, S74fs.
Identifiers: ClinVar variation 5005092 (VCV005005092.2).

ClinVar aggregate classification (germline): Likely pathogenic (1 of 4 stars; one submission).

Conditions:
Charcot-Marie-Tooth disease type 4H (CMT4H). Also called: CHARCOT-MARIE-TOOTH DISEASE, AUTOSOMAL RECESSIVE, TYPE 4H; CHARCOT-MARIE-TOOTH DISEASE, DEMYELINATING, AUTOSOMAL RECESSIVE, TYPE 4H; CHARCOT-MARIE-TOOTH NEUROPATHY, TYPE 4H; CHARCOT-MARIE-TOOTH DISEASE, DEMYELINATING, TYPE 4H. Identifiers: Orphanet 99954, MedGen C1836336, MONDO:0012250, OMIM 609311.

Submission:

Juno Genomics, Hangzhou Juno Genomics, Inc
Classification: Likely pathogenic for Charcot-Marie-Tooth disease type 4H. Review status: criteria provided, single submitter. Criteria: ACMG Guidelines, 2015. Collection method: clinical testing. Allele origin: germline.
Comment: Null variant in a gene where loss of function (LOF) is a known mechanism of disease.;Absent from controls (or at extremely low frequency if recessive) in Genome Aggregation Database.